The following is an entry in ClinVar:

NM_032043.3(BRIP1):c.1090A>G (p.Ile364Val)

Gene: BRIP1 (BRCA1 interacting DNA helicase 1; minus strand). Cytogenetic location: 17q23.2.
Variant type: single nucleotide variant.
Coding change: c.1090A>G on transcript NM_032043.3 (MANE Select); coding-DNA position 1090, A replaced by G.
Protein change: p.Ile364Val; replaces isoleucine 364 with valine.
Molecular consequence: missense variant.
Genome position (GRCh38, 1-based): chr17:61,801,303, T>C on the plus strand (A>G on the coding strand, the complement: BRIP1 is on the minus strand). VCF-style: chr17-61801303-T-C. GRCh37 (hg19) VCF-style: chr17-59878664-T-C.
Other names: short protein forms I364V.
Identifiers: ClinVar variation 485452 (VCV000485452.23), dbSNP rs770306753, ClinGen allele CA400483955.
Genomic context (GRCh38, chr17:61,801,303, plus strand): 5'-ATATACTCACACTTTCCCTTATTTGTGCATCTAGAAGATAGTTGTAGGGACAAAATATGA[T>C]GTCAGCATCTTGTATTAGTTCTCGGGCTGTGTAATATGGACAGGCCTTTAGTTTCTTCCC-3'
Protein context (NP_114432.2, residues 354-374): TARELIQDAD[Ile364Val]IFCPYNYLLD

ClinVar aggregate classification (germline): Uncertain significance. Review status: criteria provided, multiple submitters, no conflicts (2 of 4 stars). 6 submissions from 6 submitters: Uncertain significance (5). 1 of the submissions does not count toward it. Last evaluated 2025-12-22.

Conditions:
Familial cancer of breast. Also called: BREAST CANCER, FAMILIAL; Hereditary breast cancer; hereditary breast carcinoma. Identifiers: Orphanet 227535, MedGen C0346153, MONDO:0016419, OMIM 114480. Disease mechanism: loss of function.
Hereditary cancer-predisposing syndrome. Also called: Hereditary neoplastic syndrome; Neoplastic Syndromes, Hereditary; Tumor predisposition; Hereditary Cancer Syndrome. Identifiers: Orphanet 140162, MedGen C0027672, MeSH D009386, MONDO:0015356.
Fanconi anemia complementation group J. Also called: BRIP1-Related Fanconi Anemia. Identifiers: Orphanet 84, MedGen C1836860, MONDO:0012187, OMIM 609054.
Malignant tumor of breast. Also called: Malignant breast neoplasm; Cancer breast. Identifiers: MedGen C0006142, MONDO:0007254. Disease mechanism: loss of function.

gnomAD v4.1: 11 of 1,614,076 alleles (0.00068%); highest among the groups gnomAD compares: South Asian, 0.0055%; no homozygotes.

Submissions (6):

Women's Health and Genetics/Laboratory Corporation of America, LabCorp
Classification: Uncertain significance. Last evaluated: 2025-12-22. Review status: criteria provided, single submitter. Criteria: LabCorp Variant Classification Summary - May 2015. Collection method: clinical testing. Allele origin: germline.
Comment: Variant summary: BRIP1 c.1090A>G (p.Ile364Val) results in a conservative amino acid change in the encoded protein sequence. Algorithms developed to predict the effect of missense changes on protein structure and function are either unavailable or do not agree on the potential impact of this missense change. The variant allele was found at a frequency of 8e-06 in 251334 control chromosomes. The available data on variant occurrences in the general population are insufficient to allow any conclusion about variant significance. c.1090A>G has been observed in an individual with breast and adrenal tumors (example: Voso_2015). This report does not provide unequivocal conclusions about association of the variant with Fanconi anemia complementation group J. To our knowledge, no experimental evidence demonstrating an impact on protein function has been reported. The following publication has been ascertained in the context of this evaluation (PMID: 26140431). ClinVar contains an entry for this variant (Variation ID: 485452). Based on the evidence outlined above, the variant was classified as uncertain significance.

Ambry Genetics
Classification: Uncertain significance for Hereditary cancer-predisposing syndrome. Last evaluated: 2025-01-17. Review status: criteria provided, single submitter. Criteria: Ambry Variant Classification Scheme 2023. Collection method: clinical testing. Allele origin: germline.
Comment: The p.I364V variant (also known as c.1090A>G), located in coding exon 7 of the BRIP1 gene, results from an A to G substitution at nucleotide position 1090. The isoleucine at codon 364 is replaced by valine, an amino acid with highly similar properties. This alteration was reported in one individual with a history of primary breast and adrenal cancer from a cohort of individuals with therapy-related myeloid neoplasms, but it was not confirmed if this alteration was germline (Voso MT et al. Blood Cancer J, 2015;5:e323). This variant was also observed in 1/3251 individuals who met eligibility criteria for hereditary breast and ovarian cancer syndrome (Lerner-Ellis J et al. J Cancer Res Clin Oncol, 2021 Mar;147:871-879).This amino acid position is highly conserved in available vertebrate species. In addition, this alteration is predicted to be tolerated by in silico analysis. Since supporting evidence is limited at this time, the clinical significance of this alteration remains unclear.

Labcorp Genetics (formerly Invitae), Labcorp
Classification: Uncertain significance for Familial cancer of breast; Fanconi anemia complementation group J. Last evaluated: 2024-12-30. Review status: criteria provided, single submitter. Criteria: Invitae Variant Classification Sherloc (09022015). Collection method: clinical testing. Allele origin: germline.
Comment: This sequence change replaces isoleucine, which is neutral and non-polar, with valine, which is neutral and non-polar, at codon 364 of the BRIP1 protein (p.Ile364Val). This variant is present in population databases (no rsID available, gnomAD 0.006%). This missense change has been observed in individual(s) with breast and adrenal tumors (PMID: 26140431). ClinVar contains an entry for this variant (Variation ID: 485452). Invitae Evidence Modeling of protein sequence and biophysical properties (such as structural, functional, and spatial information, amino acid conservation, physicochemical variation, residue mobility, and thermodynamic stability) indicates that this missense variant is not expected to disrupt BRIP1 protein function with a negative predictive value of 95%. In summary, the available evidence is currently insufficient to determine the role of this variant in disease. Therefore, it has been classified as a Variant of Uncertain Significance.

Baylor Genetics
Classification: Uncertain significance for Familial cancer of breast. Last evaluated: 2024-03-08. Review status: criteria provided, single submitter. Criteria: ACMG Guidelines, 2015. Collection method: clinical testing. Allele origin: unknown.

Color Diagnostics, LLC DBA Color Health
Classification: Uncertain significance for Hereditary cancer-predisposing syndrome. Last evaluated: 2018-12-20. Review status: criteria provided, single submitter. Criteria: ACMG Guidelines, 2015. Collection method: clinical testing. Allele origin: germline.

Department of Pathology and Laboratory Medicine, Sinai Health System
Classification: Uncertain significance for Malignant tumor of breast. Review status: no assertion criteria provided. Collection method: clinical testing. Allele origin: unknown. Affected: yes. Study: The Canadian Open Genetics Repository (COGR). Not counted in ClinVar's aggregate classification.
Comment: The BRIP1 p.Ile364Val variant was not identified in the literature nor was it identified in the dbSNP databases. The variant was identified in ClinVar (3x as uncertain significance by Ambry Genetics, Color, Invitae). The variant was identified in control databases in 2 of 246110 chromosomes at a frequency of 0.000008 (Genome Aggregation Database Feb 27, 2017). The variant was observed in the following populations: and South Asian in 2 of 30780 chromosomes (freq: 0.000065); it was not observed in the African, Other, Latino, European Non-Finnish, Ashkenazi Jewish, East Asian or Finnish populations. The p.Ile364 residue is conserved in mammals and computational analyses (PolyPhen-2, SIFT, AlignGVGD, BLOSUM, MutationTaster) provide inconsistent predictions regarding the impact to the protein; this information is not very predictive of pathogenicity. The variant occurs outside of the splicing consensus sequence and in silico or computational prediction software programs (SpliceSiteFinder, MaxEntScan, NNSPLICE, GeneSplicer) do not predict a difference in splicing. In summary, based on the above information the clinical significance of this variant cannot be determined with certainty at this time. This variant is classified as a variant of uncertain significance.

Literature cited by the submitters: PubMed 26140431 (cited by 3 submitters); PubMed 32885271 (cited by Ambry Genetics).